The following is an entry in ClinVar:

ClinVar aggregate classification (germline): Uncertain significance (1 of 4 stars; one submission).

Submission:

Labcorp Genetics (formerly Invitae), Labcorp
Classification: Uncertain significance. Last evaluated: 2022-10-24. Review status: criteria provided, single submitter. Criteria: Invitae Variant Classification Sherloc (09022015). Collection method: clinical testing. Allele origin: germline.
Comment: In summary, the available evidence is currently insufficient to determine the role of this variant in disease. Therefore, it has been classified as a Variant of Uncertain Significance. Algorithms developed to predict the effect of missense changes on protein structure and function (SIFT, PolyPhen-2, Align-GVGD) all suggest that this variant is likely to be tolerated. This variant has not been reported in the literature in individuals affected with SPPL2A-related conditions. This variant is not present in population databases (gnomAD no frequency). This sequence change replaces valine, which is neutral and non-polar, with leucine, which is neutral and non-polar, at codon 81 of the SPPL2A protein (p.Val81Leu).

NM_032802.4(SPPL2A):c.241G>C (p.Val81Leu)

Gene: SPPL2A (signal peptide peptidase like 2A; minus strand). Cytogenetic location: 15q21.2.
Variant type: single nucleotide variant.
Coding change: c.241G>C on transcript NM_032802.4 (MANE Select); coding-DNA position 241, G replaced by C.
Protein change: p.Val81Leu; replaces valine 81 with leucine.
Molecular consequence: missense variant.
Genome position (GRCh38, 1-based): chr15:50,748,807, C>G on the plus strand (G>C on the coding strand, the complement: SPPL2A is on the minus strand). VCF-style: chr15-50748807-C-G. GRCh37 (hg19) VCF-style: chr15-51041004-C-G.
Other names: short protein forms V81L.
Identifiers: ClinVar variation 2016690 (VCV002016690.4), dbSNP rs2542841027, ClinGen allele CA392414949.